The following is an entry in ClinVar:

ClinVar aggregate classification (germline): Uncertain significance (1 of 4 stars; one submission).

Submission:

Ambry Genetics
Classification: Uncertain significance. Last evaluated: 2023-12-27. Review status: criteria provided, single submitter. Criteria: Ambry Variant Classification Scheme 2023. Collection method: clinical testing. Allele origin: germline.
Comment: The c.661delG variant, located in coding exon 5 of the RECQL gene, results from a deletion of one nucleotide at nucleotide position 661, causing a translational frameshift with a predicted alternate stop codon (p.V221Ffs*21). This alteration is expected to result in loss of function by premature protein truncation or nonsense-mediated mRNA decay. The evidence for this gene-disease relationship is limited; therefore, the clinical significance of this alteration is unclear.

NM_002907.4(RECQL):c.661del (p.Val221fs)

Gene: RECQL (RecQ like helicase; minus strand). Cytogenetic location: 12p12.1.
Variant type: Deletion.
Coding change: c.661del on transcript NM_002907.4 (MANE Select); coding-DNA position 661, one base deleted (G; older notation c.661delG).
Protein change: p.Val221fs; shifts the reading frame from valine 221.
Molecular consequence: frameshift variant.
Genome position (GRCh38, 1-based): chr12:21,483,415, C deleted on the plus strand (G on the coding strand, the reverse complement: RECQL is on the minus strand). VCF-style (leftmost placement, unchanged base first): chr12-21483414-AC-A. GRCh37 (hg19) VCF-style: chr12-21636348-AC-A.
Other names: c.661del, p.Val221fs (NM_032941.3); short protein forms V221fs.
Identifiers: ClinVar variation 3222985 (VCV003222985.1), dbSNP rs2540374554, ClinGen allele CA2825002070.